The following is an entry in ClinVar:

ClinVar aggregate classification (germline): Uncertain significance. Review status: criteria provided, multiple submitters, no conflicts (2 of 4 stars). 2 submissions from 2 submitters: Uncertain significance (2). Last evaluated 2024-01-23.

Conditions:
Inborn genetic diseases. Identifiers: MedGen C0950123, MeSH D030342.
Chédiak-Higashi syndrome (CHS). Also called: Chediak-Higashi Syndrome. Identifiers: Orphanet 167, MedGen C0007965, MONDO:0008963, OMIM 214500.

Allele frequency attached by ClinVar (database versions not stated): ExAC 0.00002; TOPMed 0.00002.
gnomAD v4.1: 4 of 1,606,964 alleles (0.00025%); highest among the groups gnomAD compares: East Asian, 0.0089%; no homozygotes.

Submissions (2):

Ambry Genetics
Classification: Uncertain significance for Inborn genetic diseases. Last evaluated: 2024-01-23. Review status: criteria provided, single submitter. Criteria: Ambry Variant Classification Scheme 2023. Collection method: clinical testing. Allele origin: germline.

Labcorp Genetics (formerly Invitae), Labcorp
Classification: Uncertain significance for Chédiak-Higashi syndrome. Last evaluated: 2021-08-27. Review status: criteria provided, single submitter. Criteria: Invitae Variant Classification Sherloc (09022015). Collection method: clinical testing. Allele origin: germline.
Comment: This sequence change replaces arginine with serine at codon 3647 of the LYST protein (p.Arg3647Ser). The arginine residue is moderately conserved and there is a moderate physicochemical difference between arginine and serine. This variant is present in population databases (rs763826917, ExAC 0.03%). This variant has not been reported in the literature in individuals affected with LYST-related conditions. Algorithms developed to predict the effect of missense changes on protein structure and function (SIFT, PolyPhen-2, Align-GVGD) all suggest that this variant is likely to be tolerated. Algorithms developed to predict the effect of sequence changes on RNA splicing suggest that this variant may disrupt the consensus splice site. In summary, the available evidence is currently insufficient to determine the role of this variant in disease. Therefore, it has been classified as a Variant of Uncertain Significance.

NM_000081.4(LYST):c.10941G>C (p.Arg3647Ser)

Gene: LYST (lysosomal trafficking regulator; minus strand). Cytogenetic location: 1q42.3.
Variant type: single nucleotide variant.
Coding change: c.10941G>C on transcript NM_000081.4 (MANE Select); coding-DNA position 10941, G replaced by C.
Protein change: p.Arg3647Ser; replaces arginine 3647 with serine.
Molecular consequence: missense variant.
Genome position (GRCh38, 1-based): chr1:235,677,188, C>G on the plus strand (G>C on the coding strand, the complement: LYST is on the minus strand). VCF-style: chr1-235677188-C-G. GRCh37 (hg19) VCF-style: chr1-235840488-C-G.
Other names: c.10941G>C (NM_000081.2); c.10941G>C, p.Arg3647Ser (NM_001301365.1); short protein forms R3647S.
Identifiers: ClinVar variation 959093 (VCV000959093.4), dbSNP rs763826917, ClinGen allele CA1465252.
Genomic context (GRCh38, chr1:235,677,188, plus strand): 5'-ACTGGCAGAGACAGCTGTGACAGGGCTTTTGTGTCCCGCCAGACTTTGTACATAGCATAA[C>G]CTGAAAGAAAAAAGACATGAATTTGTATATGATCATTAAATATAATTACATTCTCTTATT-3'
Protein context (NP_000072.2, residues 3637-3657): DGTCIIWDLN[Arg3647Ser]LCYVQSLAGH